The following is an entry in ClinVar:

NM_004329.3(BMPR1A):c.27A>G (p.Arg9=)

Gene: BMPR1A (bone morphogenetic protein receptor type 1A; plus strand). Cytogenetic location: 10q23.2.
Variant type: single nucleotide variant.
Coding change: c.27A>G on transcript NM_004329.3 (MANE Select); coding-DNA position 27, A replaced by G.
Protein change: p.Arg9=; no amino-acid change (arginine 9 retained).
Molecular consequence: synonymous variant.
Genome position (GRCh38, 1-based): chr10:86,876,045, A>G. VCF-style: chr10-86876045-A-G. GRCh37 (hg19) VCF-style: chr10-88635802-A-G.
Identifiers: ClinVar variation 383960 (VCV000383960.25), dbSNP rs751420248, ClinGen allele CA5585407.

ClinVar aggregate classification (germline): Conflicting classifications of pathogenicity. Review status: criteria provided, conflicting classifications (1 of 4 stars). 8 submissions from 8 submitters: Uncertain significance (1); Benign (1); Likely benign (6). Last evaluated 2025-08-28.

Conditions:
Juvenile polyposis syndrome (JPS). Identifiers: Orphanet 2929, MedGen C0345893, MONDO:0017380, OMIM 174900.
Hereditary cancer-predisposing syndrome. Also called: Neoplastic Syndromes, Hereditary; Hereditary neoplastic syndrome; Tumor predisposition; Hereditary Cancer Syndrome. Identifiers: Orphanet 140162, MedGen C0027672, MeSH D009386, MONDO:0015356.

Allele frequency attached by ClinVar (database versions not stated): gnomAD exomes below 0.00001 and 0.00002; TOPMed 0.00001; ExAC 0.00003.
gnomAD v4.1: 6 of 1,611,852 alleles (0.00037%); highest among the groups gnomAD compares: East Asian, 0.011%; no homozygotes.

Submissions (8):

Labcorp Genetics (formerly Invitae), Labcorp
Classification: Likely benign for Juvenile polyposis syndrome. Last evaluated: 2025-08-28. Review status: criteria provided, single submitter. Criteria: Invitae Variant Classification Sherloc (09022015). Collection method: clinical testing. Allele origin: germline.

Myriad Genetics, Inc.
Classification: Benign for Juvenile polyposis syndrome. Last evaluated: 2024-07-30. Review status: criteria provided, single submitter. Criteria: Myriad Autosomal Dominant, Autosomal Recessive and X-Linked Classification Criteria (2023). Collection method: clinical testing. Allele origin: unknown.
Comment: This variant is considered benign. This variant is a silent/synonymous amino acid change and it is not expected to impact splicing.

All of Us Research Program, National Institutes of Health
Classification: Likely benign for Juvenile polyposis syndrome. Last evaluated: 2023-11-02. Review status: criteria provided, single submitter. Criteria: ACMG Guidelines, 2015. Collection method: clinical testing. Allele origin: germline. Inheritance: Autosomal dominant inheritance. Observed: 1 variant allele, 1 heterozygote.
Comment: This study involves interpretation of variants in research participants for the purpose of population health screening. Participant phenotype was not available at the time of variant classification. Additional details can be found in publication PMID: 35346344, PMCID: PMC8962531

Quest Diagnostics Nichols Institute San Juan Capistrano
Classification: Likely benign. Last evaluated: 2022-11-08. Review status: criteria provided, single submitter. Criteria: Quest Diagnostics criteria. Collection method: clinical testing. Allele origin: unknown.

GeneDx
Classification: Likely benign. Last evaluated: 2018-12-11. Review status: criteria provided, single submitter. Criteria: GeneDx Variant Classification Process June 2021. Collection method: clinical testing. Allele origin: germline. Affected: yes.

Ambry Genetics
Classification: Likely benign for Hereditary cancer-predisposing syndrome. Last evaluated: 2018-03-22. Review status: criteria provided, single submitter. Criteria: Ambry Variant Classification Scheme 2023. Collection method: clinical testing. Allele origin: germline.

Color Diagnostics, LLC DBA Color Health
Classification: Likely benign for Hereditary cancer-predisposing syndrome. Last evaluated: 2017-01-04. Review status: criteria provided, single submitter. Criteria: ACMG Guidelines, 2015. Collection method: clinical testing. Allele origin: germline.

PreventionGenetics, part of Exact Sciences
Classification: Uncertain significance. Last evaluated: 2016-12-29. Review status: criteria provided, single submitter. Criteria: ACMG Guidelines, 2015. Collection method: clinical testing. Allele origin: germline.